The following is an entry in ClinVar:

ClinVar aggregate classification (germline): Uncertain significance (1 of 4 stars; one submission).

Conditions:
Transcobalamin II deficiency (TCN2D). Also called: TC II DEFICIENCY; TCN2 DEFICIENCY; Transcolabamin II deficiency. Identifiers: Orphanet 859, MedGen C0342701, MONDO:0010149, OMIM 275350.

Submission:

Labcorp Genetics (formerly Invitae), Labcorp
Classification: Uncertain significance for Transcobalamin II deficiency. Last evaluated: 2021-11-12. Review status: criteria provided, single submitter. Criteria: Invitae Variant Classification Sherloc (09022015). Collection method: clinical testing. Allele origin: germline.
Comment: Algorithms developed to predict the effect of missense changes on protein structure and function are either unavailable or do not agree on the potential impact of this missense change (SIFT: "Tolerated"; PolyPhen-2: "Probably Damaging"; Align-GVGD: "Class C0"). This sequence change replaces leucine, which is neutral and non-polar, with valine, which is neutral and non-polar, at codon 11 of the TCN2 protein (p.Leu11Val). This variant is not present in population databases (gnomAD no frequency). This variant has not been reported in the literature in individuals affected with TCN2-related conditions. In summary, the available evidence is currently insufficient to determine the role of this variant in disease. Therefore, it has been classified as a Variant of Uncertain Significance.

NM_000355.4(TCN2):c.31C>G (p.Leu11Val)

Genes: TCN2 (transcobalamin 2; plus strand), LOC121853040 (Sharpr-MPRA regulatory region 10016; plus strand). Cytogenetic location: 22q12.2.
Variant type: single nucleotide variant.
Coding change: c.31C>G on transcript NM_000355.4 (MANE Select); coding-DNA position 31, C replaced by G.
Protein change: p.Leu11Val; replaces leucine 11 with valine.
Molecular consequence: missense variant.
Genome position (GRCh38, 1-based): chr22:30,607,362, C>G. VCF-style: chr22-30607362-C-G. GRCh37 (hg19) VCF-style: chr22-31003349-C-G.
Other names: c.31C>G, p.Leu11Val (NM_001184726.2); short protein forms L11V.
Identifiers: ClinVar variation 1390776 (VCV001390776.6), dbSNP rs2145528995, ClinGen allele CA411204699.
Genomic context (GRCh38, chr22:30,607,362, plus strand): 5'-TTGCTCACTGCTCACCCACCTGCTGCTGCCATGAGGCACCTTGGGGCCTTCCTCTTCCTT[C>G]TGGGGGTCCTGGGGGCCCTCACTGAGATGTGTGGTGAGTAACTCGCCTCTATCCTGTGCC-3'
Protein context (NP_000346.2, residues 1-21): MRHLGAFLFL[Leu11Val]GVLGALTEMC